The following is an entry in ClinVar:

NM_003079.5(SMARCE1):c.832G>A (p.Val278Ile)

Gene: SMARCE1 (SWI/SNF related BAF chromatin remodeling complex subunit E1; minus strand). Cytogenetic location: 17q21.2.
Variant type: single nucleotide variant.
Coding change: c.832G>A on transcript NM_003079.5 (MANE Select); coding-DNA position 832, G replaced by A.
Protein change: p.Val278Ile; replaces valine 278 with isoleucine.
Molecular consequence: missense variant.
Genome position (GRCh38, 1-based): chr17:40,630,909, C>T on the plus strand (G>A on the coding strand, the complement: SMARCE1 is on the minus strand). VCF-style: chr17-40630909-C-T. GRCh37 (hg19) VCF-style: chr17-38787161-C-T.
Other names: short protein forms V278I.
Identifiers: ClinVar variation 1016981 (VCV001016981.8), dbSNP rs2037087580, ClinGen allele CA399363954.

ClinVar aggregate classification (germline): Uncertain significance (1 of 4 stars; one submission).

Conditions:
Familial meningioma. Also called: Meningioma, familial, susceptibility to. Identifiers: Orphanet 263662, MedGen C3551915, MONDO:0011789, OMIM 607174.

Submission:

Labcorp Genetics (formerly Invitae), Labcorp
Classification: Uncertain significance for Familial meningioma. Last evaluated: 2020-10-20. Review status: criteria provided, single submitter. Criteria: Invitae Variant Classification Sherloc (09022015). Collection method: clinical testing. Allele origin: germline.
Comment: In summary, the available evidence is currently insufficient to determine the role of this variant in disease. Therefore, it has been classified as a Variant of Uncertain Significance. Algorithms developed to predict the effect of missense changes on protein structure and function output the following: SIFT: "Tolerated"; PolyPhen-2: "Benign"; Align-GVGD: "Class C0". The isoleucine amino acid residue is found in multiple mammalian species, suggesting that this missense change does not adversely affect protein function. These predictions have not been confirmed by published functional studies and their clinical significance is uncertain. This variant has not been reported in the literature in individuals with SMARCE1-related conditions. This variant is not present in population databases (ExAC no frequency). This sequence change replaces valine with isoleucine at codon 278 of the SMARCE1 protein (p.Val278Ile). The valine residue is highly conserved and there is a small physicochemical difference between valine and isoleucine.